The following is an entry in ClinVar:

NM_002700.3(POU4F3):c.249G>A (p.Met83Ile)

Genes: POU4F3 (POU class 4 homeobox 3; plus strand), RBM27-POU4F3 (RBM27-POU4F3 readthrough; plus strand). Cytogenetic location: 5q32.
Variant type: single nucleotide variant.
Coding change: c.249G>A on transcript NM_002700.3 (MANE Select); coding-DNA position 249, G replaced by A.
Protein change: p.Met83Ile; replaces methionine 83 with isoleucine.
Molecular consequence: missense variant. On other transcripts: 3 prime UTR variant (1).
Genome position (GRCh38, 1-based): chr5:146,339,676, G>A. VCF-style: chr5-146339676-G-A. GRCh37 (hg19) VCF-style: chr5-145719239-G-A.
Other names: c.249G>A (NM_002700.2); c.*118G>A (NM_001414499.1); short protein forms M83I.
Identifiers: ClinVar variation 2869409 (VCV002869409.4), dbSNP rs749474595, ClinGen allele CA3491083.

ClinVar aggregate classification (germline): Uncertain significance. Review status: criteria provided, multiple submitters, no conflicts (2 of 4 stars). 2 submissions from 2 submitters: Uncertain significance (2). Last evaluated 2025-12-15.

Conditions:
Inborn genetic diseases. Identifiers: MedGen C0950123, MeSH D030342.

Allele frequency attached by ClinVar (database versions not stated): TOPMed below 0.00001; ExAC 0.00001; gnomAD exomes 0.00001.

Submissions (2):

Ambry Genetics
Classification: Uncertain significance for Inborn genetic diseases. Last evaluated: 2025-12-15. Review status: criteria provided, single submitter. Criteria: Ambry Variant Classification Scheme 2023. Collection method: clinical testing. Allele origin: germline.

Labcorp Genetics (formerly Invitae), Labcorp
Classification: Uncertain significance. Last evaluated: 2023-12-07. Review status: criteria provided, single submitter. Criteria: Invitae Variant Classification Sherloc (09022015). Collection method: clinical testing. Allele origin: germline.
Comment: This sequence change replaces methionine, which is neutral and non-polar, with isoleucine, which is neutral and non-polar, at codon 83 of the POU4F3 protein (p.Met83Ile). This variant is present in population databases (rs749474595, gnomAD 0.006%). This variant has not been reported in the literature in individuals affected with POU4F3-related conditions. Advanced modeling of protein sequence and biophysical properties (such as structural, functional, and spatial information, amino acid conservation, physicochemical variation, residue mobility, and thermodynamic stability) performed at Invitae indicates that this missense variant is not expected to disrupt POU4F3 protein function with a negative predictive value of 80%. In summary, the available evidence is currently insufficient to determine the role of this variant in disease. Therefore, it has been classified as a Variant of Uncertain Significance.